The following is an entry in ClinVar:

ClinVar aggregate classification (germline): Uncertain significance (1 of 4 stars; one submission).

Conditions:
Epidermolysis bullosa simplex 5B, with muscular dystrophy (EBS5B). Also called: Epidermolysis bullosa simplex with muscular dystrophy; EPIDERMOLYSIS BULLOSA SIMPLEX AND LIMB-GIRDLE MUSCULAR DYSTROPHY. Identifiers: Orphanet 257, MedGen C2931072, MONDO:0009181, OMIM 226670.
Epidermolysis bullosa simplex 5C, with pyloric atresia (EBS5C). Also called: Epidermolysis bullosa simplex with pyloric atresia; PLEC-Related Epidermolysis Bullosa with Pyloric Atresia; PLEC1-Related Epidermolysis Bullosa with Pyloric Atresia. Identifiers: Orphanet 158684, MedGen C2677349, MONDO:0012807, OMIM 612138.
Epidermolysis bullosa simplex with nail dystrophy (EBS5D). Identifiers: MedGen C4225309, MONDO:0014661, OMIM 616487.
Autosomal recessive limb-girdle muscular dystrophy type 2Q (LGMDR17). Also called: MUSCULAR DYSTROPHY, LIMB-GIRDLE, AUTOSOMAL RECESSIVE 17. Identifiers: Orphanet 254361, MedGen C3150989, MONDO:0013390, OMIM 613723.
Epidermolysis bullosa simplex, Ogna type (EBS5A). Also called: Pidermolysis bullosa simplex 5A, Ogna type; EPIDERMOLYSIS BULLOSA SIMPLEX 5A, OGNA TYPE. Identifiers: Orphanet 79401, MedGen C0432317, MONDO:0007555, OMIM 131950.

Allele frequency attached by ClinVar (database versions not stated): gnomAD exomes below 0.00001.
gnomAD v4.1: 1 of 1,591,686 alleles (0.000063%); highest among the groups gnomAD compares: East Asian, 0.0023%; no homozygotes.

Submission:

Labcorp Genetics (formerly Invitae), Labcorp
Classification: Uncertain significance for Autosomal recessive limb-girdle muscular dystrophy type 2Q; Epidermolysis bullosa simplex, Ogna type; Epidermolysis bullosa simplex with nail dystrophy; Epidermolysis bullosa simplex 5C, with pyloric atresia; Epidermolysis bullosa simplex 5B, with muscular dystrophy. Last evaluated: 2021-06-06. Review status: criteria provided, single submitter. Criteria: Invitae Variant Classification Sherloc (09022015). Collection method: clinical testing. Allele origin: germline.
Comment: This sequence change replaces lysine with asparagine at codon 816 of the PLEC protein (p.Lys816Asn). The lysine residue is moderately conserved and there is a moderate physicochemical difference between lysine and asparagine. This variant is not present in population databases (ExAC no frequency). This variant has not been reported in the literature in individuals with PLEC-related conditions. Algorithms developed to predict the effect of missense changes on protein structure and function are either unavailable or do not agree on the potential impact of this missense change (SIFT: "Tolerated"; PolyPhen-2: "Not Available"; Align-GVGD: "Class C0"). In summary, the available evidence is currently insufficient to determine the role of this variant in disease. Therefore, it has been classified as a Variant of Uncertain Significance.

NM_201384.3(PLEC):c.2367G>T (p.Lys789Asn)

Gene: PLEC (plectin; minus strand). Cytogenetic location: 8q24.3.
Variant type: single nucleotide variant.
Coding change: c.2367G>T on transcript NM_201384.3 (MANE Select); coding-DNA position 2367, G replaced by T.
Protein change: p.Lys789Asn; replaces lysine 789 with asparagine.
Molecular consequence: missense variant.
Genome position (GRCh38, 1-based): chr8:143,930,474, C>A on the plus strand (G>T on the coding strand, the complement: PLEC is on the minus strand). VCF-style: chr8-143930474-C-A. GRCh37 (hg19) VCF-style: chr8-145004642-C-A.
Other names: c.2448G>T, p.Lys816Asn (NM_000445.5); c.2325G>T, p.Lys775Asn (NM_201378.4); c.2301G>T, p.Lys767Asn (NM_201379.3); c.2778G>T, p.Lys926Asn (NM_201380.4); c.2271G>T, p.Lys757Asn (NM_201381.3); c.2367G>T, p.Lys789Asn (NM_201382.4); c.2379G>T, p.Lys793Asn (NM_201383.3); short protein forms K767N, K775N, K789N, K793N, K816N, K926N, K757N.
Identifiers: ClinVar variation 1359673 (VCV001359673.8), dbSNP rs2131792951, ClinGen allele CA372574788.
Genomic context (GRCh38, chr8:143,930,474, plus strand): 5'-CAGGGGCAGGCGGCCCCGCATGGGGTGGGCTGGGTGGCGGGGCTTCAGCTGCACGACGGC[C>A]TTGGCCCGCTTGGCCAGGCCTGAGAGGTGGCCCTTGTACTCGTTCAGCTGTTCCTTCTCG-3'
Protein context (NP_958786.1, residues 779-799): GHLSGLAKRA[Lys789Asn]AVVQLKPRHP